The following is an entry in ClinVar:

ClinVar aggregate classification (germline): Uncertain significance (1 of 4 stars; one submission).

Conditions:
Hereditary cancer-predisposing syndrome. Also called: Hereditary neoplastic syndrome; Hereditary Cancer Syndrome; Neoplastic Syndromes, Hereditary; Tumor predisposition. Identifiers: Orphanet 140162, MedGen C0027672, MeSH D009386, MONDO:0015356.

Submission:

Ambry Genetics
Classification: Uncertain significance for Hereditary cancer-predisposing syndrome. Last evaluated: 2023-06-08. Review status: criteria provided, single submitter. Criteria: Ambry Variant Classification Scheme 2023. Collection method: clinical testing. Allele origin: germline.
Comment: The p.S287R variant (also known as c.861T>G), located in coding exon 4 of the MSH6 gene, results from a T to G substitution at nucleotide position 861. The serine at codon 287 is replaced by arginine, an amino acid with dissimilar properties. This amino acid position is conserved. In addition, this alteration is predicted to be tolerated by in silico analysis. Since supporting evidence is limited at this time, the clinical significance of this alteration remains unclear.

NM_000179.3(MSH6):c.861T>G (p.Ser287Arg)

Gene: MSH6 (mutS homolog 6; plus strand). Cytogenetic location: 2p16.3.
Variant type: single nucleotide variant.
Coding change: c.861T>G on transcript NM_000179.3 (MANE Select); coding-DNA position 861, T replaced by G.
Protein change: p.Ser287Arg; replaces serine 287 with arginine.
Molecular consequence: missense variant. On other transcripts: 5 prime UTR variant (9), non-coding transcript variant (4), intron variant (1).
Genome position (GRCh38, 1-based): chr2:47,798,844, T>G. VCF-style: chr2-47798844-T-G. GRCh37 (hg19) VCF-style: chr2-48025983-T-G.
Other names: c.471T>G, p.Ser157Arg (NM_001281492.2); c.-46T>G (NM_001281493.2, NM_001281494.2, NM_001406811.1 and 6 more transcripts); c.957T>G, p.Ser319Arg (NM_001406795.1, NM_001406802.1); c.861T>G, p.Ser287Arg (NM_001406796.1, NM_001406798.1, NM_001406800.1 and 4 more transcripts); c.564T>G, p.Ser188Arg (NM_001406797.1, NM_001406801.1, NM_001406805.1 and 10 more transcripts); c.336T>G, p.Ser112Arg (NM_001406799.1, NM_001406806.1, NM_001406807.1); c.783T>G, p.Ser261Arg (NM_001406804.1); c.867T>G, p.Ser289Arg (NM_001406813.1); and 2 more; short protein forms S157R, S231R, S287R, S112R, S188R, S289R, S261R, S319R.
Identifiers: ClinVar variation 2567494 (VCV002567494.2), dbSNP rs754307139, ClinGen allele CA346740595.